The following is an entry in ClinVar:

NM_001267550.2(TTN):c.71585A>G (p.His23862Arg)

Genes: TTN (titin; minus strand), TTN-AS1 (TTN antisense RNA 1; plus strand). Cytogenetic location: 2q31.2.
Variant type: single nucleotide variant.
Coding change: c.71585A>G on transcript NM_001267550.2 (MANE Select); coding-DNA position 71585, A replaced by G.
Protein change: p.His23862Arg; replaces histidine 23862 with arginine.
Molecular consequence: missense variant.
Genome position (GRCh38, 1-based): chr2:178,574,547, T>C on the plus strand (A>G on the coding strand, the complement: TTN is on the minus strand). VCF-style: chr2-178574547-T-C. GRCh37 (hg19) VCF-style: chr2-179439274-T-C.
Other names: c.66662A>G, p.His22221Arg (NM_001256850.1); c.44390A>G, p.His14797Arg (NM_003319.4); c.63881A>G, p.His21294Arg (NM_133378.4); c.44765A>G, p.His14922Arg (NM_133432.3); c.44966A>G, p.His14989Arg (NM_133437.4); short protein forms H14797R, H14922R, H14989R, H21294R, H22221R, H23862R.
Identifiers: ClinVar variation 4537346 (VCV004537346.4), dbSNP rs576552787.

ClinVar aggregate classification (germline): Conflicting classifications of pathogenicity. Review status: criteria provided, conflicting classifications (1 of 4 stars). 4 submissions from 4 submitters: Uncertain significance (2); Likely benign (2). Last evaluated 2026-04-22.

Conditions:
TTN-related disorder. Also called: TTN-related condition; TTN-related disease; TTN-related disorders.

gnomAD v4.1: 30 of 1,613,616 alleles (0.0019%); highest among the groups gnomAD compares: Non-Finnish European, 0.0023%; no homozygotes.

Submissions (4):

PreventionGenetics, part of Exact Sciences
Classification: Uncertain significance for TTN-related condition. Last evaluated: 2026-04-22. Review status: criteria provided, single submitter. Criteria: ACMG Guidelines, 2015. Collection method: clinical testing. Allele origin: germline.
Comment: The TTN c.71585A>G variant is predicted to result in the amino acid substitution p.His23862Arg. To our knowledge, this variant has not been reported in the literature. This variant is reported in 0.0027% of alleles in individuals of European (Non-Finnish) descent in gnomAD. At this time, the clinical significance of this variant is uncertain due to the absence of conclusive functional and genetic evidence.

Molecular Diagnostic Laboratory for Inherited Cardiovascular Disease, Montreal Heart Institute
Classification: Likely benign. Last evaluated: 2026-03-27. Review status: criteria provided, single submitter. Criteria: ACMG Guidelines, 2015. Collection method: clinical testing. Allele origin: germline. Affected: no.
Comment: BP1

Women's Health and Genetics/Laboratory Corporation of America, LabCorp
Classification: Uncertain significance. Last evaluated: 2025-11-18. Review status: criteria provided, single submitter. Criteria: LabCorp Variant Classification Summary - May 2015. Collection method: clinical testing. Allele origin: germline.
Comment: Variant summary: TTN c.63881A>G (p.His21294Arg) results in a non-conservative amino acid change in the encoded protein sequence. Algorithms developed to predict the effect of missense changes on protein structure and function are either unavailable or do not agree on the potential impact of this missense change. The variant allele was found at a frequency of 1.2e-05 in 248444 control chromosomes. The available data on variant occurrences in the general population are insufficient to allow any conclusion about variant significance. To our knowledge, no occurrence of c.63881A>G in individuals affected with TTN-related conditions and no experimental evidence demonstrating its impact on protein function have been reported. No submitters have cited clinical-significance assessments for this variant to ClinVar. Based on the evidence outlined above, the variant was classified as uncertain significance.

Blueprint Genetics
Classification: Likely benign. Last evaluated: 2022-11-25. Review status: criteria provided, single submitter. Criteria: ACMG Guidelines, 2015. Collection method: clinical testing. Allele origin: germline.